The following is an entry in ClinVar:

NC_000019.9:g.(?_54297303)_(55678016_?)dup

Genes: CACNG6 (calcium voltage-gated channel auxiliary subunit gamma 6; plus strand), CACNG7 (calcium voltage-gated channel auxiliary subunit gamma 7; plus strand), CACNG8 (calcium voltage-gated channel auxiliary subunit gamma 8; plus strand), CDC42EP5 (CDC42 effector protein 5; minus strand), CNOT3 (CCR4-NOT transcription complex subunit 3; plus strand) and 48 more. Cytogenetic location: 19q13.42.
Variant type: Duplication.
Identifiers: ClinVar variation 1443808 (VCV001443808.5).

ClinVar aggregate classification (germline): Uncertain significance (1 of 4 stars; one submission).

Submission:

Labcorp Genetics (formerly Invitae), Labcorp
Classification: Uncertain significance. Last evaluated: 2021-04-02. Review status: criteria provided, single submitter. Criteria: Invitae Variant Classification Sherloc (09022015). Collection method: clinical testing. Allele origin: germline.
Comment: A copy number gain of the genomic region encompassing the full coding sequence of the TSEN34 gene has been identified. The boundaries of this event are unknown as they extend beyond the assayed region for this gene and therefore may encompass additional genes. As the precise location of this event is unknown, it may be in tandem or it may be located elsewhere in the genome. Isolated whole-gene copy number gains of TSEN34 have not been reported in the literature. However, larger copy number events that include this gene have been reported (PMID: 21882292). In summary, the available evidence is currently insufficient to determine the role of this variant in disease. Therefore, it has been classified as a Variant of Uncertain Significance.

Literature cited by the submitters: PubMed 21882292.